The following is an entry in ClinVar:

NM_015335.5(MED13L):c.6228C>A (p.Ser2076Arg)

Gene: MED13L (mediator complex subunit 13L; minus strand). Cytogenetic location: 12q24.21.
Variant type: single nucleotide variant.
Coding change: c.6228C>A on transcript NM_015335.5 (MANE Select); coding-DNA position 6228, C replaced by A.
Protein change: p.Ser2076Arg; replaces serine 2076 with arginine.
Molecular consequence: missense variant.
Genome position (GRCh38, 1-based): chr12:115,966,241, G>T on the plus strand (C>A on the coding strand, the complement: MED13L is on the minus strand). VCF-style: chr12-115966241-G-T. GRCh37 (hg19) VCF-style: chr12-116404046-G-T.
Other names: short protein forms S2076R.
Identifiers: ClinVar variation 1326486 (VCV001326486.3), dbSNP rs2137203328, ClinGen allele CA386875498.

ClinVar aggregate classification (germline): Uncertain significance. Review status: criteria provided, multiple submitters, no conflicts (2 of 4 stars). 2 submissions from 2 submitters: Uncertain significance (2). Last evaluated 2025-05-11.

Conditions:
Dextro-looped transposition of the great arteries. Also called: Dextrotransposition of the great arteries. Identifiers: Orphanet 860, MedGen C3531771, MONDO:0019443, OMIM 608808, HP:0031348.

Submissions (2):

Labcorp Genetics (formerly Invitae), Labcorp
Classification: Uncertain significance for Dextro-looped transposition of the great arteries. Last evaluated: 2025-05-11. Review status: criteria provided, single submitter. Criteria: Invitae Variant Classification Sherloc (09022015). Collection method: clinical testing. Allele origin: germline.
Comment: This sequence change replaces serine, which is neutral and polar, with arginine, which is basic and polar, at codon 2076 of the MED13L protein (p.Ser2076Arg). This variant is not present in population databases (gnomAD no frequency). This variant has not been reported in the literature in individuals affected with MED13L-related conditions. ClinVar contains an entry for this variant (Variation ID: 1326486). An algorithm developed to predict the effect of missense changes on protein structure and function (PolyPhen-2) suggests that this variant is likely to be tolerated. In summary, the available evidence is currently insufficient to determine the role of this variant in disease. Therefore, it has been classified as a Variant of Uncertain Significance.

GeneDx
Classification: Uncertain significance. Last evaluated: 2021-05-26. Review status: criteria provided, single submitter. Criteria: GeneDx Variant Classification Process June 2021. Collection method: clinical testing. Allele origin: germline. Affected: yes.
Comment: Not observed at significant frequency in large population cohorts (Lek et al., 2016); In silico analysis supports that this missense variant does not alter protein structure/function; Has not been previously published as pathogenic or benign to our knowledge